The following is an entry in ClinVar:

ClinVar aggregate classification (germline): Uncertain significance (1 of 4 stars; one submission).

Submission:

Ambry Genetics
Classification: Uncertain significance. Last evaluated: 2024-10-18. Review status: criteria provided, single submitter. Criteria: Ambry Variant Classification Scheme 2023. Collection method: clinical testing. Allele origin: germline.
Comment: The p.L4117P variant (also known as c.12350T>C), located in coding exon 86 of the PRKDC gene, results from a T to C substitution at nucleotide position 12350. The leucine at codon 4117 is replaced by proline, an amino acid with similar properties. This amino acid position is conserved. Based on the available evidence, the clinical significance of this variant remains unclear.

NM_006904.7(PRKDC):c.12350T>C (p.Leu4117Pro)

Gene: PRKDC (protein kinase, DNA-activated, catalytic subunit; minus strand). Cytogenetic location: 8q11.21.
Variant type: single nucleotide variant.
Coding change: c.12350T>C on transcript NM_006904.7 (MANE Select); coding-DNA position 12350, T replaced by C.
Protein change: p.Leu4117Pro; replaces leucine 4117 with proline.
Molecular consequence: missense variant.
Genome position (GRCh38, 1-based): chr8:47,774,210, A>G on the plus strand (T>C on the coding strand, the complement: PRKDC is on the minus strand). VCF-style: chr8-47774210-A-G. GRCh37 (hg19) VCF-style: chr8-48686771-A-G.
Other names: c.12257T>C, p.Leu4086Pro (NM_001081640.2); short protein forms L4086P, L4117P.
Identifiers: ClinVar variation 3425203 (VCV003425203.1).